The following is an entry in ClinVar:

ClinVar aggregate classification (germline): Uncertain significance (1 of 4 stars; one submission).

gnomAD v4.1: 9 of 1,613,644 alleles (0.00056%); highest among the groups gnomAD compares: African/African-American, 0.0093%; no homozygotes.

Submission:

Greenwood Genetic Center Diagnostic Laboratories, Greenwood Genetic Center
Classification: Uncertain significance. Last evaluated: 2026-05-11. Review status: criteria provided, single submitter. Criteria: ACMG Guidelines, 2015. Collection method: clinical testing. Allele origin: germline.
Comment: PM2, PP3

NM_024580.6(EFL1):c.3190C>T (p.Pro1064Ser)

Gene: EFL1 (elongation factor like GTPase 1; minus strand). Cytogenetic location: 15q25.2.
Variant type: single nucleotide variant.
Coding change: c.3190C>T on transcript NM_024580.6 (MANE Select); coding-DNA position 3190, C replaced by T.
Protein change: p.Pro1064Ser; replaces proline 1064 with serine.
Molecular consequence: missense variant. On other transcripts: non-coding transcript variant (1).
Genome position (GRCh38, 1-based): chr15:82,130,546, G>A on the plus strand (C>T on the coding strand, the complement: EFL1 is on the minus strand). VCF-style: chr15-82130546-G-A. GRCh37 (hg19) VCF-style: chr15-82422887-G-A.
Other names: c.3037C>T, p.Pro1013Ser (NM_001040610.3); c.2401C>T, p.Pro801Ser (NM_001322844.2); c.3190C>T, p.Pro1064Ser (NM_001322845.2); short protein forms P1013S, P1064S, P801S.
Identifiers: ClinVar variation 4891064 (VCV004891064.1).